The following is an entry in ClinVar:

ClinVar aggregate classification (germline): Uncertain significance. Review status: criteria provided, multiple submitters, no conflicts (2 of 4 stars). 2 submissions from 2 submitters: Uncertain significance (2). Last evaluated 2023-01-31.

Conditions:
Inborn genetic diseases. Identifiers: MedGen C0950123, MeSH D030342.

Allele frequency attached by ClinVar (database versions not stated): ExAC 0.00003; ESP Exome Variant Server 0.00015.

Submissions (2):

Labcorp Genetics (formerly Invitae), Labcorp
Classification: Uncertain significance. Last evaluated: 2023-01-31. Review status: criteria provided, single submitter. Criteria: Invitae Variant Classification Sherloc (09022015). Collection method: clinical testing. Allele origin: germline.
Comment: Algorithms developed to predict the effect of missense changes on protein structure and function (SIFT, PolyPhen-2, Align-GVGD) all suggest that this variant is likely to be disruptive. In summary, the available evidence is currently insufficient to determine the role of this variant in disease. Therefore, it has been classified as a Variant of Uncertain Significance. This variant has not been reported in the literature in individuals affected with DHX37-related conditions. This sequence change replaces arginine, which is basic and polar, with glutamine, which is neutral and polar, at codon 881 of the DHX37 protein (p.Arg881Gln). This variant is present in population databases (rs143086024, gnomAD 0.005%).

Ambry Genetics
Classification: Uncertain significance for Inborn genetic diseases. Last evaluated: 2021-10-22. Review status: criteria provided, single submitter. Criteria: Ambry Variant Classification Scheme 2023. Collection method: clinical testing. Allele origin: germline.

NM_032656.4(DHX37):c.2642G>A (p.Arg881Gln)

Gene: DHX37 (DEAH-box helicase 37; minus strand). Cytogenetic location: 12q24.31.
Variant type: single nucleotide variant.
Coding change: c.2642G>A on transcript NM_032656.4 (MANE Select); coding-DNA position 2642, G replaced by A.
Protein change: p.Arg881Gln; replaces arginine 881 with glutamine.
Molecular consequence: missense variant.
Genome position (GRCh38, 1-based): chr12:124,953,933, C>T on the plus strand (G>A on the coding strand, the complement: DHX37 is on the minus strand). VCF-style: chr12-124953933-C-T. GRCh37 (hg19) VCF-style: chr12-125438479-C-T.
Other names: short protein forms R881Q.
Identifiers: ClinVar variation 2204401 (VCV002204401.5), dbSNP rs143086024, ClinGen allele CA6871558.
Genomic context (GRCh38, chr12:124,953,933, plus strand): 5'-GCCGTACCTGCGGTGGTCAGCTGGCCCCGCAGGCGCCGGATCTCCATCATGGCTTTGTAC[C>T]GCAGCCCGTTGGCTTCGCAAAACTGGGGTGTGCAGCTGGCATACTCACAGGCTCCCACGG-3'
Protein context (NP_116045.2, residues 871-891): TPQFCEANGL[Arg881Gln]YKAMMEIRRL